The following is an entry in ClinVar:

NM_014423.4(AFF4):c.1864C>T (p.Arg622Ter)

Gene: AFF4 (ALF transcription elongation factor 4; minus strand). Cytogenetic location: 5q31.1.
Variant type: single nucleotide variant.
Coding change: c.1864C>T on transcript NM_014423.4 (MANE Select); coding-DNA position 1864, C replaced by T.
Protein change: p.Arg622Ter; replaces arginine 622 with a stop codon.
Molecular consequence: nonsense.
Genome position (GRCh38, 1-based): chr5:132,896,766, G>A on the plus strand (C>T on the coding strand, the complement: AFF4 is on the minus strand). VCF-style: chr5-132896766-G-A. GRCh37 (hg19) VCF-style: chr5-132232458-G-A.
Other names: short protein forms R622*.
Identifiers: ClinVar variation 1924797 (VCV001924797.5), dbSNP rs1561484690, ClinGen allele CA360936672.

ClinVar aggregate classification (germline): Uncertain significance (1 of 4 stars; one submission).

Conditions:
Cognitive impairment - coarse facies - heart defects - obesity - pulmonary involvement - short stature - skeletal dysplasia syndrome. Also called: Chops syndrome; AFF4-Related CHOPS Syndrome; COGNITIVE IMPAIRMENT, COARSE FACIES, HEART DEFECTS, OBESITY, PULMONARY INVOLVEMENT, SHORT STATURE, AND SKELETAL DYSPLASIA. Identifiers: Orphanet 444077, MedGen C4085597, MONDO:0014609, OMIM 616368.

Submission:

Labcorp Genetics (formerly Invitae), Labcorp
Classification: Uncertain significance for Cognitive impairment - coarse facies - heart defects - obesity - pulmonary involvement - short stature - skeletal dysplasia syndrome. Last evaluated: 2022-08-09. Review status: criteria provided, single submitter. Criteria: Invitae Variant Classification Sherloc (09022015). Collection method: clinical testing. Allele origin: germline.
Comment: This variant has not been reported in the literature in individuals affected with AFF4-related conditions. In summary, the available evidence is currently insufficient to determine the role of this variant in disease. Therefore, it has been classified as a Variant of Uncertain Significance. Experimental studies and prediction algorithms are not available or were not evaluated, and the functional significance of this variant is currently unknown. This variant is not present in population databases (gnomAD no frequency). This sequence change creates a premature translational stop signal (p.Arg622*) in the AFF4 gene. It is expected to result in an absent or disrupted protein product. However, the current clinical and genetic evidence is not sufficient to establish whether loss-of-function variants in AFF4 cause disease.